The following is an entry in ClinVar:

NM_017654.4(SAMD9):c.4021G>A (p.Ala1341Thr)

Gene: SAMD9 (sterile alpha motif domain containing 9; minus strand). Cytogenetic location: 7q21.2.
Variant type: single nucleotide variant.
Coding change: c.4021G>A on transcript NM_017654.4 (MANE Select); coding-DNA position 4021, G replaced by A.
Protein change: p.Ala1341Thr; replaces alanine 1341 with threonine.
Molecular consequence: missense variant.
Genome position (GRCh38, 1-based): chr7:93,102,077, C>T on the plus strand (G>A on the coding strand, the complement: SAMD9 is on the minus strand). VCF-style: chr7-93102077-C-T. GRCh37 (hg19) VCF-style: chr7-92731390-C-T.
Other names: c.4021G>A, p.Ala1341Thr (NM_001193307.2); short protein forms A1341T.
Identifiers: ClinVar variation 3437078 (VCV003437078.1).

ClinVar aggregate classification (germline): Uncertain significance (1 of 4 stars; one submission).

Conditions:
Inborn genetic diseases. Identifiers: MedGen C0950123, MeSH D030342.

gnomAD v4.1: 1 of 1,613,178 alleles (0.000062%); highest among the groups gnomAD compares: Non-Finnish European, 0.000085%; no homozygotes.

Submission:

Ambry Genetics
Classification: Uncertain significance for Inborn genetic diseases. Last evaluated: 2024-12-04. Review status: criteria provided, single submitter. Criteria: Ambry Variant Classification Scheme 2023. Collection method: clinical testing. Allele origin: germline.
Comment: The p.A1341T variant (also known as c.4021G>A), located in coding exon 1 of the SAMD9 gene, results from a G to A substitution at nucleotide position 4021. The alanine at codon 1341 is replaced by threonine, an amino acid with similar properties. This amino acid position is conserved. In addition, this alteration is predicted to be tolerated by in silico analysis. Based on the available evidence, the clinical significance of this variant remains unclear.